The following is an entry in ClinVar:

NM_001371596.2(MFSD8):c.604G>A (p.Val202Met)

Gene: MFSD8 (major facilitator superfamily domain containing 8; minus strand). Cytogenetic location: 4q28.2.
Variant type: single nucleotide variant.
Coding change: c.604G>A on transcript NM_001371596.2 (MANE Select); coding-DNA position 604, G replaced by A.
Protein change: p.Val202Met; replaces valine 202 with methionine.
Molecular consequence: missense variant. On other transcripts: intron variant (5).
Genome position (GRCh38, 1-based): chr4:127,939,947, C>T on the plus strand (G>A on the coding strand, the complement: MFSD8 is on the minus strand). VCF-style: chr4-127939947-C-T. GRCh37 (hg19) VCF-style: chr4-128861102-C-T.
Other names: c.469G>A, p.Val157Met (NM_001371590.2); c.604G>A, p.Val202Met (NM_001371591.2, NM_152778.4); c.610G>A, p.Val204Met (NM_001371592.2); c.490G>A, p.Val164Met (NM_001371593.2, NM_001410766.1); c.419-1111G>A (NM_001371595.1); c.304+3805G>A (NM_001410765.1); c.439+3805G>A (NM_001363521.3); c.553+2098G>A (NM_001363520.3); and 1 more; short protein forms V157M, V164M, V204M, V202M.
Identifiers: ClinVar variation 1401615 (VCV001401615.6), dbSNP rs757623473, ClinGen allele CA3077424.

ClinVar aggregate classification (germline): Uncertain significance (1 of 4 stars; one submission).

Conditions:
Neuronal ceroid lipofuscinosis 7 (CLN7). Also called: MFSD8-Related Neuronal Ceroid-Lipofuscinosis. Identifiers: Orphanet 168491, Orphanet 228366, MedGen C1838571, MONDO:0012588, OMIM 610951.

Allele frequency attached by ClinVar (database versions not stated): gnomAD exomes below 0.00001; ExAC 0.00001; gnomAD 0.00001.

Submission:

Labcorp Genetics (formerly Invitae), Labcorp
Classification: Uncertain significance for Neuronal ceroid lipofuscinosis 7. Last evaluated: 2022-06-13. Review status: criteria provided, single submitter. Criteria: Invitae Variant Classification Sherloc (09022015). Collection method: clinical testing. Allele origin: germline.
Comment: This sequence change replaces valine, which is neutral and non-polar, with methionine, which is neutral and non-polar, at codon 202 of the MFSD8 protein (p.Val202Met). This variant is present in population databases (rs757623473, gnomAD 0.002%). This variant has not been reported in the literature in individuals affected with MFSD8-related conditions. Algorithms developed to predict the effect of missense changes on protein structure and function (SIFT, PolyPhen-2, Align-GVGD) all suggest that this variant is likely to be tolerated. In summary, the available evidence is currently insufficient to determine the role of this variant in disease. Therefore, it has been classified as a Variant of Uncertain Significance.